The following is an entry in ClinVar:

NM_001145026.2(PTPRQ):c.3172G>A (p.Gly1058Arg)

Gene: PTPRQ (protein tyrosine phosphatase receptor type Q; plus strand). Cytogenetic location: 12q21.31.
Variant type: single nucleotide variant.
Coding change: c.3172G>A on transcript NM_001145026.2 (MANE Select); coding-DNA position 3172, G replaced by A.
Protein change: p.Gly1058Arg; replaces glycine 1058 with arginine.
Molecular consequence: missense variant.
Genome position (GRCh38, 1-based): chr12:80,541,572, G>A. VCF-style: chr12-80541572-G-A. GRCh37 (hg19) VCF-style: chr12-80935351-G-A.
Other names: short protein forms G1058R.
Identifiers: ClinVar variation 4975357 (VCV004975357.1).

ClinVar aggregate classification (germline): Uncertain significance (1 of 4 stars; one submission).

gnomAD v4.1: 1 of 1,529,082 alleles (0.000065%); highest among the groups gnomAD compares: Non-Finnish European, 0.000088%; no homozygotes.

Submission:

GeneDx
Classification: Uncertain significance. Last evaluated: 2026-01-27. Review status: criteria provided, single submitter. Criteria: GeneDx Variant Classification Process June 2021. Collection method: clinical testing. Allele origin: germline.
Comment: Not observed at significant frequency in large population cohorts (gnomAD); In silico analysis supports that this missense variant has a deleterious effect on protein structure/function; Has not been previously published as pathogenic or benign to our knowledge; In silico analysis is inconclusive as to whether the variant alters gene splicing. In the absence of RNA/functional studies, the actual effect of this sequence change is unknown.